The following is an entry in ClinVar:

ClinVar aggregate classification (germline): Uncertain significance. Review status: criteria provided, multiple submitters, no conflicts (2 of 4 stars). 2 submissions from 2 submitters: Uncertain significance (2). Last evaluated 2024-09-08.

Conditions:
Cardiovascular phenotype. Identifiers: MedGen CN230736.

Submissions (2):

Ambry Genetics
Classification: Uncertain significance for Cardiovascular phenotype. Last evaluated: 2024-09-08. Review status: criteria provided, single submitter. Criteria: Ambry Variant Classification Scheme 2023. Collection method: clinical testing. Allele origin: germline.
Comment: The p.N248T variant (also known as c.743A>C), located in coding exon 2 of the SHOC2 gene, results from an A to C substitution at nucleotide position 743. The asparagine at codon 248 is replaced by threonine, an amino acid with similar properties. This amino acid position is conserved. In addition, the in silico prediction for this alteration is inconclusive. Based on the available evidence, the clinical significance of this variant remains unclear.

GeneDx
Classification: Uncertain significance. Last evaluated: 2021-01-05. Review status: criteria provided, single submitter. Criteria: GeneDx Variant Classification Process June 2021. Collection method: clinical testing. Allele origin: germline. Affected: yes.
Comment: Not observed in large population cohorts (Lek et al., 2016); In silico analysis supports that this missense variant has a deleterious effect on protein structure/function; Has not been previously published as pathogenic or benign to our knowledge

NM_007373.4(SHOC2):c.743A>C (p.Asn248Thr)

Gene: SHOC2 (SHOC2 leucine rich repeat scaffold protein; plus strand). Cytogenetic location: 10q25.2.
Variant type: single nucleotide variant.
Coding change: c.743A>C on transcript NM_007373.4 (MANE Select); coding-DNA position 743, A replaced by C.
Protein change: p.Asn248Thr; replaces asparagine 248 with threonine.
Molecular consequence: missense variant. On other transcripts: non-coding transcript variant (1), intron variant (1).
Genome position (GRCh38, 1-based): chr10:110,985,667, A>C. VCF-style: chr10-110985667-A-C. GRCh37 (hg19) VCF-style: chr10-112745425-A-C.
Other names: c.743A>C, p.Asn248Thr (NM_001324336.2, NM_001324337.2); c.704-14748A>C (NM_001269039.3); short protein forms N248T.
Identifiers: ClinVar variation 1204943 (VCV001204943.4), dbSNP rs374067666, ClinGen allele CA378391381.